The following is an entry in ClinVar:

ClinVar aggregate classification (germline): Uncertain significance. Review status: criteria provided, multiple submitters, no conflicts (2 of 4 stars). 2 submissions from 2 submitters: Uncertain significance (2). Last evaluated 2024-11-25.

Conditions:
Pituitary hormone deficiency, combined, 1 (CPHD1). Also called: Pituitary hormone deficiency, combined or isolated, 1. Identifiers: MedGen C2751608, MONDO:0024464, OMIM 613038.

Submissions (2):

Women's Health and Genetics/Laboratory Corporation of America, LabCorp
Classification: Uncertain significance. Last evaluated: 2024-11-25. Review status: criteria provided, single submitter. Criteria: LabCorp Variant Classification Summary - May 2015. Collection method: clinical testing. Allele origin: germline.
Comment: Variant summary: POU1F1 c.365T>C (p.Ile122Thr) results in a non-conservative amino acid change in the encoded protein sequence. Four of five in-silico tools predict a benign effect of the variant on protein function. The variant allele was found at a frequency of 9.2e-05 in 251282 control chromosomes. This frequency is not significantly higher than estimated for a pathogenic variant in POU1F1 causing &phenotype&, allowing no conclusion about variant significance. To our knowledge, no occurrence of c.365T>C in individuals affected with &phenotype& and no experimental evidence demonstrating its impact on protein function have been reported. No submitters have cited clinical-significance assessments for this variant to ClinVar. Based on the evidence outlined above, the variant was classified as uncertain significance.

Department of Pathology and Laboratory Medicine, Sinai Health System
Classification: Uncertain significance for Pituitary hormone deficiency, combined, 1. Last evaluated: 2022-05-17. Review status: criteria provided, single submitter. Criteria: ACMG Guidelines, 2015. Collection method: research. Allele origin: germline.

NM_000306.4(POU1F1):c.365T>C (p.Ile122Thr)

Gene: POU1F1 (POU class 1 homeobox 1; minus strand). Cytogenetic location: 3p11.2.
Variant type: single nucleotide variant.
Coding change: c.365T>C on transcript NM_000306.4 (MANE Select); coding-DNA position 365, T replaced by C.
Protein change: p.Ile122Thr; replaces isoleucine 122 with threonine.
Molecular consequence: missense variant.
Genome position (GRCh38, 1-based): chr3:87,264,362, A>G on the plus strand (T>C on the coding strand, the complement: POU1F1 is on the minus strand). VCF-style: chr3-87264362-A-G. GRCh37 (hg19) VCF-style: chr3-87313512-A-G.
Other names: c.443T>C, p.Ile148Thr (NM_001122757.3); short protein forms I122T, I148T.
Identifiers: ClinVar variation 3629583 (VCV003629583.3).